The following is an entry in ClinVar:

ClinVar aggregate classification (germline): Uncertain significance (1 of 4 stars; one submission).

Conditions:
Telangiectasia, hereditary hemorrhagic, type 2 (HHT2). Also called: ACVRL1-Related Hereditary Hemorrhagic Telangiectasia; Telangiectasia, hereditary hemorrhagic, type II. Identifiers: Orphanet 774, MedGen C1838163, MONDO:0010880, OMIM 600376. Disease mechanism: loss of function.

Submission:

Labcorp Genetics (formerly Invitae), Labcorp
Classification: Uncertain significance for Telangiectasia, hereditary hemorrhagic, type 2. Last evaluated: 2020-07-08. Review status: criteria provided, single submitter. Criteria: Invitae Variant Classification Sherloc (09022015). Collection method: clinical testing. Allele origin: germline.
Comment: In summary, the available evidence is currently insufficient to determine the role of this variant in disease. Therefore, it has been classified as a Variant of Uncertain Significance. Nucleotide substitutions within the consensus splice site are a relatively common cause of aberrant splicing (PMID: 17576681, 9536098). Algorithms developed to predict the effect of sequence changes on RNA splicing suggest that this variant may disrupt the consensus splice site, but this prediction has not been confirmed by published transcriptional studies. This variant has been observed in individual(s) with hereditary hemorrhagic telangiectasia (Invitae). This variant is not present in population databases (ExAC no frequency). This sequence change falls in intron 7 of the ACVRL1 gene. It does not directly change the encoded amino acid sequence of the ACVRL1 protein, but it affects a nucleotide within the consensus splice site of the intron.

Literature cited by the submitters: PubMed 17576681; PubMed 9536098.

NM_000020.3(ACVRL1):c.1048+3_1048+4delinsTT

Gene: ACVRL1 (activin A receptor like type 1; plus strand). Cytogenetic location: 12q13.13.
Variant type: Indel.
Coding change: c.1048+3_1048+4delinsTT on transcript NM_000020.3 (MANE Select); bases 3 to 4 of the intron after coding-DNA position 1048, GA replaced by TT.
Molecular consequence: intron variant.
Genome position (GRCh38, 1-based): chr12:51,915,503-51,915,504, GA replaced by TT. VCF-style: chr12-51915503-GA-TT. GRCh37 (hg19) VCF-style: chr12-52309287-GA-TT.
Other names: c.1048+3_1048+4delinsTT (NM_001077401.2).
Identifiers: ClinVar variation 1046506 (VCV001046506.8), dbSNP rs1940814416, ClinGen allele CA2036236303.